The following is an entry in ClinVar:

ClinVar aggregate classification (germline): Uncertain significance (1 of 4 stars; one submission).

Conditions:
Malignant hyperthermia, susceptibility to, 1 (MHS1). Also called: Anesthesia related hyperthermia; Malignant hyperpyrexia; Fulminating hyperpyrexia; Pharmacogenic myopathy; Malignant hyperthermia suceptibility 1; RYR1-Related Malignant Hyperthermia Susceptibility. Identifiers: Orphanet 423, MedGen C2930980, MONDO:0007783, OMIM 145600.

gnomAD v4.1: 2 of 1,614,098 alleles (0.00012%); highest among the groups gnomAD compares: South Asian, 0.0022%; no homozygotes.

Submission:

All of Us Research Program, National Institutes of Health
Classification: Uncertain significance for Malignant hyperthermia, susceptibility to, 1. Last evaluated: 2024-05-09. Review status: criteria provided, single submitter. Criteria: ACMG Guidelines, 2015. Collection method: clinical testing. Allele origin: germline. Inheritance: Autosomal dominant inheritance. Observed: 2 variant alleles, 2 heterozygotes.
Comment: This study involves interpretation of variants in research participants for the purpose of population health screening. Participant phenotype was not available at the time of variant classification. Additional details can be found in publication PMID: 35346344, PMCID: PMC8962531

NM_000540.3(RYR1):c.14911A>G (p.Thr4971Ala)

Gene: RYR1 (ryanodine receptor 1; plus strand). Cytogenetic location: 19q13.2.
Variant type: single nucleotide variant.
Coding change: c.14911A>G on transcript NM_000540.3 (MANE Select); coding-DNA position 14911, A replaced by G.
Protein change: p.Thr4971Ala; replaces threonine 4971 with alanine.
Molecular consequence: missense variant.
Genome position (GRCh38, 1-based): chr19:38,586,133, A>G. VCF-style: chr19-38586133-A-G. GRCh37 (hg19) VCF-style: chr19-39076773-A-G.
Other names: c.14896A>G, p.Thr4966Ala (NM_001042723.2); short protein forms T4966A, T4971A.
Identifiers: ClinVar variation 3385636 (VCV003385636.1).